The following is an entry in ClinVar:

NM_005475.3(SH2B3):c.64G>A (p.Ala22Thr)

Gene: SH2B3 (SH2B adaptor protein 3; plus strand). Cytogenetic location: 12q24.12.
Variant type: single nucleotide variant.
Coding change: c.64G>A on transcript NM_005475.3 (MANE Select); coding-DNA position 64, G replaced by A.
Protein change: p.Ala22Thr; replaces alanine 22 with threonine.
Molecular consequence: missense variant.
Genome position (GRCh38, 1-based): chr12:111,418,209, G>A. VCF-style: chr12-111418209-G-A. GRCh37 (hg19) VCF-style: chr12-111856013-G-A.
Other names: short protein forms A22T.
Identifiers: ClinVar variation 4163937 (VCV004163937.1).

ClinVar aggregate classification (germline): Uncertain significance (1 of 4 stars; one submission).

Conditions:
Inborn genetic diseases. Identifiers: MedGen C0950123, MeSH D030342.

Submission:

Ambry Genetics
Classification: Uncertain significance for Inborn genetic diseases. Last evaluated: 2025-07-09. Review status: criteria provided, single submitter. Criteria: Ambry Variant Classification Scheme 2023. Collection method: clinical testing. Allele origin: germline.
Comment: The p.A22T variant (also known as c.64G>A), located in coding exon 1 of the SH2B3 gene, results from a G to A substitution at nucleotide position 64. The alanine at codon 22 is replaced by threonine, an amino acid with similar properties. This amino acid position is conserved. In addition, this alteration is predicted to be tolerated by in silico analysis. Based on the available evidence, the clinical significance of this variant remains unclear.